The following is an entry in ClinVar:

NM_001195553.2(DCX):c.473C>T (p.Ala158Val)

Gene: DCX (doublecortin; minus strand). Cytogenetic location: Xq23.
Variant type: single nucleotide variant.
Coding change: c.473C>T on transcript NM_001195553.2 (MANE Select); coding-DNA position 473, C replaced by T.
Protein change: p.Ala158Val; replaces alanine 158 with valine.
Molecular consequence: missense variant.
Genome position (GRCh38, 1-based): chrX:111,401,222, G>A on the plus strand (C>T on the coding strand, the complement: DCX is on the minus strand). VCF-style: chrX-111401222-G-A. GRCh37 (hg19) VCF-style: chrX-110644450-G-A.
Other names: c.716C>T, p.Ala239Val (NM_000555.3); c.473C>T, p.Ala158Val (NM_001369370.1, NM_001369371.1, NM_001369372.1 and 6 more transcripts); short protein forms A239V, A158V.
Identifiers: ClinVar variation 5035121 (VCV005035121.1).

ClinVar aggregate classification (germline): Uncertain significance (1 of 4 stars; one submission).

Conditions:
Inborn genetic diseases. Identifiers: MedGen C0950123, MeSH D030342.

Submission:

Ambry Genetics
Classification: Uncertain significance for Inborn genetic diseases. Last evaluated: 2026-06-22. Review status: criteria provided, single submitter. Criteria: Ambry Variant Classification Scheme 2023. Collection method: clinical testing. Allele origin: germline.
Comment: The c.473C>T (p.A158V) alteration is located in exon 3 (coding exon 2) of the DCX gene. This alteration results from a C to T substitution at nucleotide position 473, causing the alanine (A) at amino acid position 158 to be replaced by a valine (V). Based on data from gnomAD, the T allele has an overall frequency of <0.001% (1/182807) total alleles studied. The highest observed frequency was <0.001% (/) of alleles. Based on insufficient or conflicting evidence, the clinical significance of this alteration remains unclear.